The following is an entry in ClinVar:

ClinVar aggregate classification (germline): Uncertain significance (1 of 4 stars; one submission).

Conditions:
Jeune thoracic dystrophy. Also called: Jeune syndrome; Short-rib thoracic dysplasia; Infantile thoracic dystrophy; Thoracic pelvic phalangeal dystrophy; Jeune's syndrome; Chondroectodermal dysplasia-like syndrome. Identifiers: Orphanet 474, MedGen C0265275, MONDO:0018770.

Allele frequency attached by ClinVar (database versions not stated): gnomAD 0.00001; ExAC 0.00003; ESP Exome Variant Server 0.00008.
gnomAD v4.1: 22 of 1,610,640 alleles (0.0014%); highest among the groups gnomAD compares: Admixed American, 0.0034%; no homozygotes.

Submission:

Labcorp Genetics (formerly Invitae), Labcorp
Classification: Uncertain significance for Jeune thoracic dystrophy. Last evaluated: 2022-04-20. Review status: criteria provided, single submitter. Criteria: Invitae Variant Classification Sherloc (09022015). Collection method: clinical testing. Allele origin: germline.
Comment: This sequence change replaces arginine, which is basic and polar, with histidine, which is basic and polar, at codon 4015 of the DYNC2H1 protein (p.Arg4015His). This variant is present in population databases (rs368508015, gnomAD 0.007%). This variant has not been reported in the literature in individuals affected with DYNC2H1-related conditions. Algorithms developed to predict the effect of missense changes on protein structure and function are either unavailable or do not agree on the potential impact of this missense change (SIFT: "Tolerated"; PolyPhen-2: "Possibly Damaging"; Align-GVGD: "Class C0"). In summary, the available evidence is currently insufficient to determine the role of this variant in disease. Therefore, it has been classified as a Variant of Uncertain Significance.

NM_001377.3(DYNC2H1):c.12023G>A (p.Arg4008His)

Gene: DYNC2H1 (dynein cytoplasmic 2 heavy chain 1; plus strand). Cytogenetic location: 11q22.3.
Variant type: single nucleotide variant.
Coding change: c.12023G>A on transcript NM_001377.3 (MANE Select); coding-DNA position 12023, G replaced by A.
Protein change: p.Arg4008His; replaces arginine 4008 with histidine.
Molecular consequence: missense variant.
Genome position (GRCh38, 1-based): chr11:103,323,974, G>A. VCF-style: chr11-103323974-G-A. GRCh37 (hg19) VCF-style: chr11-103194702-G-A.
Other names: c.12044G>A, p.Arg4015His (NM_001080463.2); short protein forms R4015H, R4008H.
Identifiers: ClinVar variation 2149229 (VCV002149229.1), dbSNP rs368508015, ClinGen allele CA6255434.